The following is an entry in ClinVar:

NM_001098816.3(TENM4):c.2109C>T (p.His703=)

Gene: TENM4 (teneurin transmembrane protein 4; minus strand). Cytogenetic location: 11q14.1.
Variant type: single nucleotide variant.
Coding change: c.2109C>T on transcript NM_001098816.3 (MANE Select); coding-DNA position 2109, C replaced by T.
Protein change: p.His703=; no amino-acid change (histidine 703 retained).
Molecular consequence: synonymous variant.
Genome position (GRCh38, 1-based): chr11:78,805,362, G>A on the plus strand (C>T on the coding strand, the complement: TENM4 is on the minus strand). VCF-style: chr11-78805362-G-A. GRCh37 (hg19) VCF-style: chr11-78516407-G-A.
Other names: p.His703=.
Identifiers: ClinVar variation 3037483 (VCV003037483.3), dbSNP rs73498549, ClinGen allele CA6207447.

ClinVar aggregate classification (germline): Benign. Review status: criteria provided, single submitter (1 of 4 stars). 2 submissions from 2 submitters: Benign (1). 1 of the submissions does not count toward it. Last evaluated 2025-03-20.

Conditions:
TENM4-related disorder. Also called: TENM4-related condition.

Allele frequency attached by ClinVar (database versions not stated): ESP Exome Variant Server 0.02413; 1000 Genomes Project 30x 0.02639; gnomAD 0.02372; gnomAD exomes 0.00327; ExAC 0.01003; 1000 Genomes Project 0.02496; TOPMed 0.02735.
gnomAD v4.1: 8,369 of 1,535,960 alleles (0.54%); highest among the groups gnomAD compares: African/African-American, 7.7%; 244 homozygotes.

Submissions (2):

Mayo Clinic Laboratories, Mayo Clinic
Classification: Benign. Last evaluated: 2025-03-20. Review status: criteria provided, single submitter. Criteria: ACMG Guidelines, 2015. Collection method: clinical testing. Allele origin: germline. Observed: 3 variant alleles.

PreventionGenetics, part of Exact Sciences
Classification: Benign for TENM4-related condition. Last evaluated: 2019-05-06. Review status: no assertion criteria provided. Collection method: clinical testing. Allele origin: germline. Not counted in ClinVar's aggregate classification.
Comment: This variant is classified as benign based on ACMG/AMP sequence variant interpretation guidelines (Richards et al. 2015 PMID: 25741868, with internal and published modifications).